The following is an entry in ClinVar:

ClinVar aggregate classification (germline): Uncertain significance (1 of 4 stars; one submission).

gnomAD v4.1: 2 of 1,614,136 alleles (0.00012%); highest among the groups gnomAD compares: East Asian, 0.0045%; no homozygotes.

Submission:

Labcorp Genetics (formerly Invitae), Labcorp
Classification: Uncertain significance. Last evaluated: 2023-05-10. Review status: criteria provided, single submitter. Criteria: Invitae Variant Classification Sherloc (09022015). Collection method: clinical testing. Allele origin: germline.
Comment: In summary, the available evidence is currently insufficient to determine the role of this variant in disease. Therefore, it has been classified as a Variant of Uncertain Significance. An algorithm developed to predict the effect of missense changes on protein structure and function (PolyPhen-2) suggests that this variant is likely to be disruptive. ClinVar contains an entry for this variant (Variation ID: 1058911). This variant has not been reported in the literature in individuals affected with USH1C-related conditions. This variant is not present in population databases (gnomAD no frequency). This sequence change replaces arginine, which is basic and polar, with serine, which is neutral and polar, at codon 103 of the USH1C protein (p.Arg103Ser).

NM_153676.4(USH1C):c.307C>A (p.Arg103Ser)

Gene: USH1C (USH1 protein network component harmonin; minus strand). Cytogenetic location: 11p15.1.
Variant type: single nucleotide variant.
Coding change: c.307C>A on transcript NM_153676.4 (MANE Select); coding-DNA position 307, C replaced by A.
Protein change: p.Arg103Ser; replaces arginine 103 with serine.
Molecular consequence: missense variant. On other transcripts: non-coding transcript variant (1).
Genome position (GRCh38, 1-based): chr11:17,531,234, G>T on the plus strand (C>A on the coding strand, the complement: USH1C is on the minus strand). VCF-style: chr11-17531234-G-T. GRCh37 (hg19) VCF-style: chr11-17552781-G-T.
Other names: c.307C>A, p.Arg103Ser (NM_001297764.2, NM_005709.4); short protein forms R103S.
Identifiers: ClinVar variation 1058911 (VCV001058911.9), dbSNP rs397517880, ClinGen allele CA379797139.